The following is an entry in ClinVar:

NM_015512.5(DNAH1):c.2555G>A (p.Arg852His)

Gene: DNAH1 (dynein axonemal heavy chain 1; plus strand). Cytogenetic location: 3p21.1.
Variant type: single nucleotide variant.
Coding change: c.2555G>A on transcript NM_015512.5 (MANE Select); coding-DNA position 2555, G replaced by A.
Protein change: p.Arg852His; replaces arginine 852 with histidine.
Molecular consequence: missense variant.
Genome position (GRCh38, 1-based): chr3:52,350,017, G>A. VCF-style: chr3-52350017-G-A. GRCh37 (hg19) VCF-style: chr3-52384033-G-A.
Other names: short protein forms R852H.
Identifiers: ClinVar variation 641048 (VCV000641048.6), dbSNP rs749833949, ClinGen allele CA2433300.

ClinVar aggregate classification (germline): Conflicting classifications of pathogenicity. Review status: criteria provided, conflicting classifications (1 of 4 stars). 2 submissions from 2 submitters: Uncertain significance (1); Likely benign (1). Last evaluated 2025-08-23.

Conditions:
DNAH1-related disorder. Also called: DNAH1-related condition.
Ciliary dyskinesia, primary, 37 (CILD37). Also called: CILIARY DYSKINESIA, PRIMARY, 37, WITH OR WITHOUT SITUS INVERSUS. Identifiers: MedGen C4539798, MONDO:0033204, OMIM 617577.
Spermatogenic failure 18. Identifiers: MedGen C4539783, MONDO:0054615, OMIM 617576.

Allele frequency attached by ClinVar (database versions not stated): TOPMed 0.00001.
gnomAD v4.1: 156 of 1,612,548 alleles (0.0097%); highest among the groups gnomAD compares: South Asian, 0.16%; 1 homozygote.

Submissions (2):

Labcorp Genetics (formerly Invitae), Labcorp
Classification: Uncertain significance for Ciliary dyskinesia, primary, 37; Spermatogenic failure 18. Last evaluated: 2025-08-23. Review status: criteria provided, single submitter. Criteria: Invitae Variant Classification Sherloc (09022015). Collection method: clinical testing. Allele origin: germline.
Comment: This sequence change replaces arginine, which is basic and polar, with histidine, which is basic and polar, at codon 852 of the DNAH1 protein (p.Arg852His). This variant is present in population databases (rs749833949, gnomAD 0.2%). This variant has not been reported in the literature in individuals affected with DNAH1-related conditions. ClinVar contains an entry for this variant (Variation ID: 641048). Invitae Evidence Modeling of protein sequence and biophysical properties (such as structural, functional, and spatial information, amino acid conservation, physicochemical variation, residue mobility, and thermodynamic stability) indicates that this missense variant is not expected to disrupt DNAH1 protein function with a negative predictive value of 80%. In summary, the available evidence is currently insufficient to determine the role of this variant in disease. Therefore, it has been classified as a Variant of Uncertain Significance.

PreventionGenetics, part of Exact Sciences
Classification: Likely benign for DNAH1-related condition. Last evaluated: 2025-06-11. Review status: criteria provided, single submitter. Criteria: ACMG Guidelines, 2015. Collection method: clinical testing. Allele origin: germline.
Comment: This variant is classified as likely benign based on ACMG/AMP sequence variant interpretation guidelines (Richards et al. 2015 PMID: 25741868, with internal and published modifications).